The following is an entry in ClinVar:

ClinVar aggregate classification (germline): Conflicting classifications of pathogenicity. Review status: criteria provided, conflicting classifications (1 of 4 stars). 2 submissions from 2 submitters: Uncertain significance (1); Likely benign (1). Last evaluated 2025-10-12.

Conditions:
TNC-related disorder. Also called: TNC-related condition.

gnomAD v4.1: 92 of 1,611,568 alleles (0.0057%); highest among the groups gnomAD compares: African/African-American, 0.11%; no homozygotes.

Submissions (2):

PreventionGenetics, part of Exact Sciences
Classification: Likely benign for TNC-related condition. Last evaluated: 2025-10-12. Review status: criteria provided, single submitter. Criteria: ACMG Guidelines, 2015. Collection method: clinical testing. Allele origin: germline.
Comment: This variant is classified as likely benign based on ACMG/AMP sequence variant interpretation guidelines (Richards et al. 2015 PMID: 25741868, with internal and published modifications).

Ambry Genetics
Classification: Uncertain significance. Last evaluated: 2025-02-20. Review status: criteria provided, single submitter. Criteria: Ambry Variant Classification Scheme 2023. Collection method: clinical testing. Allele origin: germline.

NM_002160.4(TNC):c.3518T>C (p.Val1173Ala)

Genes: TNC (tenascin C; minus strand), LOC126860741 (P300/CBP strongly-dependent group 1 enhancer GRCh37_chr9:117825442-117826641; plus strand). Cytogenetic location: 9q33.1.
Variant type: single nucleotide variant.
Coding change: c.3518T>C on transcript NM_002160.4 (MANE Select); coding-DNA position 3518, T replaced by C.
Protein change: p.Val1173Ala; replaces valine 1173 with alanine.
Molecular consequence: missense variant.
Genome position (GRCh38, 1-based): chr9:115,064,038, A>G on the plus strand (T>C on the coding strand, the complement: TNC is on the minus strand). VCF-style: chr9-115064038-A-G. GRCh37 (hg19) VCF-style: chr9-117826317-A-G.
Other names: c.3518T>C, p.Val1173Ala (NM_001410991.1); short protein forms V1173A.
Identifiers: ClinVar variation 3808736 (VCV003808736.2).